The following is an entry in ClinVar:

NM_033380.3(COL4A5):c.4726C>G (p.Pro1576Ala)

Gene: COL4A5 (collagen type IV alpha 5 chain; plus strand). Cytogenetic location: Xq22.3.
Variant type: single nucleotide variant.
Coding change: c.4726C>G on transcript NM_033380.3 (MANE Select); coding-DNA position 4726, C replaced by G.
Protein change: p.Pro1576Ala; replaces proline 1576 with alanine.
Molecular consequence: missense variant.
Genome position (GRCh38, 1-based): chrX:108,694,826, C>G. VCF-style: chrX-108694826-C-G. GRCh37 (hg19) VCF-style: chrX-107938056-C-G.
Other names: c.4708C>G, p.Pro1570Ala (NM_000495.5); short protein forms P1570A, P1576A.
Identifiers: ClinVar variation 585547 (VCV000585547.10), dbSNP rs747041833, ClinGen allele CA334062938.

ClinVar aggregate classification (germline): Uncertain significance. Review status: criteria provided, multiple submitters, no conflicts (2 of 4 stars). 3 submissions from 3 submitters: Uncertain significance (2). 1 of the submissions does not count toward it. Last evaluated 2025-06-12.

Conditions:
X-linked Alport syndrome (ATS1). Also called: COL4A5-Related Nephropathy; NEPHROPATHY AND DEAFNESS, X-LINKED. Identifiers: Orphanet 63, Orphanet 88917, MedGen C4746986, MONDO:0010520, OMIM 301050.

Allele frequency attached by ClinVar (database versions not stated): gnomAD 0.00001; TOPMed 0.00001.
gnomAD v4.1: 3 of 1,206,466 alleles (0.00025%); highest among the groups gnomAD compares: Admixed American, 0.0022%; no homozygotes.

Submissions (3):

Labcorp Genetics (formerly Invitae), Labcorp
Classification: Uncertain significance. Last evaluated: 2025-06-12. Review status: criteria provided, single submitter. Criteria: Invitae Variant Classification Sherloc (09022015). Collection method: clinical testing. Allele origin: germline.
Comment: This sequence change replaces proline, which is neutral and non-polar, with alanine, which is neutral and non-polar, at codon 1570 of the COL4A5 protein (p.Pro1570Ala). This variant is present in population databases (no rsID available, gnomAD no frequency). This variant has not been reported in the literature in individuals affected with COL4A5-related conditions. ClinVar contains an entry for this variant (Variation ID: 585547). Invitae Evidence Modeling of protein sequence and biophysical properties (such as structural, functional, and spatial information, amino acid conservation, physicochemical variation, residue mobility, and thermodynamic stability) has been performed for this missense variant. However, the output from this modeling did not meet the statistical confidence thresholds required to predict the impact of this variant on COL4A5 protein function. In summary, the available evidence is currently insufficient to determine the role of this variant in disease. Therefore, it has been classified as a Variant of Uncertain Significance.

Athena Diagnostics
Classification: Uncertain significance. Last evaluated: 2017-12-06. Review status: criteria provided, single submitter. Criteria: Athena Diagnostics Criteria. Collection method: clinical testing. Allele origin: germline.

Natera, Inc.
Classification: Uncertain significance for X-linked Alport syndrome. Last evaluated: 2020-08-14. Review status: no assertion criteria provided. Collection method: clinical testing. Allele origin: germline. Not counted in ClinVar's aggregate classification.